The following is an entry in ClinVar:

ClinVar aggregate classification (germline): Uncertain significance (1 of 4 stars; one submission).

Submission:

GeneDx
Classification: Uncertain significance. Last evaluated: 2021-02-03. Review status: criteria provided, single submitter. Criteria: GeneDx Variant Classification Process June 2021. Collection method: clinical testing. Allele origin: germline. Affected: yes.
Comment: Not observed in large population cohorts (Lek et al., 2016); In silico analysis supports that this variant does not alter splicing; Has not been previously published as pathogenic or benign to our knowledge

NM_130837.3(OPA1):c.576A>T (p.Glu192Asp)

Gene: OPA1 (OPA1 mitochondrial dynamin like GTPase; plus strand). Cytogenetic location: 3q29.
Variant type: single nucleotide variant.
Coding change: c.576A>T on transcript NM_130837.3 (MANE Select); coding-DNA position 576, A replaced by T.
Protein change: p.Glu192Asp; replaces glutamic acid 192 with aspartic acid.
Molecular consequence: missense variant. On other transcripts: intron variant (6).
Genome position (GRCh38, 1-based): chr3:193,617,803, A>T. VCF-style: chr3-193617803-A-T. GRCh37 (hg19) VCF-style: chr3-193335592-A-T.
Other names: c.468A>T, p.Glu156Asp (NM_130832.3, NM_130835.3); c.449-1066A>T (NM_130833.3, NM_130831.3); c.576A>T, p.Glu192Asp (NM_130834.3); c.184+518A>T (NM_001354664.2); c.77-1066A>T (NM_001354663.2); c.556+518A>T (NM_130836.3, NM_015560.3); short protein forms E156D, E192D.
Identifiers: ClinVar variation 1194303 (VCV001194303.2), dbSNP rs2108882278, ClinGen allele CA355787830.